The following is an entry in ClinVar:

NM_001367823.1(ARHGEF18):c.118del (p.Ala40fs)

Gene: ARHGEF18 (Rho/Rac guanine nucleotide exchange factor 18; plus strand). Cytogenetic location: 19p13.2.
Variant type: Deletion.
Coding change: c.118del on transcript NM_001367823.1 (MANE Select); coding-DNA position 118, one base deleted (G; older notation c.118delG).
Protein change: p.Ala40fs; shifts the reading frame from alanine 40.
Molecular consequence: frameshift variant.
Genome position (GRCh38, 1-based): chr19:7,372,914, G deleted; the last of 4 consecutive G bases (chr19:7,372,911-7,372,914); deleting any one gives the same sequence. VCF-style (leftmost placement, unchanged base first): chr19-7372910-TG-T. GRCh37 (hg19) VCF-style: chr19-7437796-TG-T.
Other names: short protein forms A40fs.
Identifiers: ClinVar variation 4880652 (VCV004880652.2).

ClinVar aggregate classification (germline): Likely pathogenic (1 of 4 stars; one submission).

Submission:

Dasa
Classification: Likely pathogenic. Last evaluated: 2026-04-15. Review status: criteria provided, single submitter. Criteria: DASA Assertion Criteria. Collection method: clinical testing. Allele origin: germline.
Comment: NM_001367823.1(ARHGEF18):c.118del (p.Ala40Profs*76) is a frameshift variant in ARHGEF18 predicted to alter the reading frame and introduce a premature termination codon and is predicted to result in an absent or altered protein product. Loss of function is an established disease mechanism for ARHGEF18-associated disorders. Also, this variant is rare in population databases. Based on the currently available evidence, this variant is classified as likely pathogenic.